The following is an entry in ClinVar:

ClinVar aggregate classification (germline): Uncertain significance (1 of 4 stars; one submission).

Conditions:
Leukodystrophy, hypomyelinating, 6. Also called: LEUKODYSTROPHY, HYPOMYELINATING, WITH ATROPHY OF THE BASAL GANGLIA AND CEREBELLUM; TUBB4A-Associated Leukodystrophy; Hypomyelination with Atrophy of Basal Ganglia and Cerebellum (H-ABC). Identifiers: Orphanet 139441, MedGen C2676244, MONDO:0012905, OMIM 612438.

Submission:

Labcorp Genetics (formerly Invitae), Labcorp
Classification: Uncertain significance for Leukodystrophy, hypomyelinating, 6. Last evaluated: 2022-09-01. Review status: criteria provided, single submitter. Criteria: Invitae Variant Classification Sherloc (09022015). Collection method: clinical testing. Allele origin: germline.
Comment: This sequence change replaces glutamic acid, which is acidic and polar, with aspartic acid, which is acidic and polar, at codon 125 of the TUBB4A protein (p.Glu125Asp). This variant is not present in population databases (gnomAD no frequency). This variant has not been reported in the literature in individuals affected with TUBB4A-related conditions. Algorithms developed to predict the effect of missense changes on protein structure and function are either unavailable or do not agree on the potential impact of this missense change (SIFT: "Deleterious"; PolyPhen-2: "Benign"; Align-GVGD: "Class C35"). In summary, the available evidence is currently insufficient to determine the role of this variant in disease. Therefore, it has been classified as a Variant of Uncertain Significance.

NM_006087.4(TUBB4A):c.375G>T (p.Glu125Asp)

Gene: TUBB4A (tubulin beta 4A class IVa; minus strand). Cytogenetic location: 19p13.3.
Variant type: single nucleotide variant.
Coding change: c.375G>T on transcript NM_006087.4 (MANE Select); coding-DNA position 375, G replaced by T.
Protein change: p.Glu125Asp; replaces glutamic acid 125 with aspartic acid.
Molecular consequence: missense variant.
Genome position (GRCh38, 1-based): chr19:6,496,124, C>A on the plus strand (G>T on the coding strand, the complement: TUBB4A is on the minus strand). VCF-style: chr19-6496124-C-A. GRCh37 (hg19) VCF-style: chr19-6496135-C-A.
Other names: c.528G>T, p.Glu176Asp (NM_001289123.2); c.510G>T, p.Glu170Asp (NM_001289127.2); c.375G>T, p.Glu125Asp (NM_001289129.2); c.159G>T, p.Glu53Asp (NM_001289130.2, NM_001289131.2); short protein forms E170D, E176D, E125D, E53D.
Identifiers: ClinVar variation 1998909 (VCV001998909.4), dbSNP rs2512755196, ClinGen allele CA403592590.